The following is an entry in ClinVar:

NM_001206927.2(DNAH8):c.4736G>A (p.Trp1579Ter)

Gene: DNAH8 (dynein axonemal heavy chain 8; plus strand). Cytogenetic location: 6p21.2.
Variant type: single nucleotide variant.
Coding change: c.4736G>A on transcript NM_001206927.2 (MANE Select); coding-DNA position 4736, G replaced by A.
Protein change: p.Trp1579Ter; replaces tryptophan 1579 with a stop codon.
Molecular consequence: nonsense.
Genome position (GRCh38, 1-based): chr6:38,842,794, G>A. VCF-style: chr6-38842794-G-A. GRCh37 (hg19) VCF-style: chr6-38810570-G-A.
Other names: p.Trp1579*; c.4085G>A, p.Trp1362Ter (NM_001371.4); short protein forms W1362*, W1579*.
Identifiers: ClinVar variation 2683654 (VCV002683654.1), dbSNP rs1298081554, ClinGen allele CA364004037.
Genomic context (GRCh38, chr6:38,842,794, plus strand): 5'-TCAGTGAGTCATGTCCTCTACTGGAAATGATGACCAATAAGGCCATGAAACAGAGACACT[G>A]GGATAGAATCTCCGAGTTAACTGGAACCCCATTTGATGTGGAATCTGATTCTTTTTGCCT-3'

ClinVar aggregate classification (germline): Likely pathogenic (1 of 4 stars; one submission).

Allele frequency attached by ClinVar (database versions not stated): gnomAD exomes below 0.00001; gnomAD 0.00001.
gnomAD v4.1: 2 of 1,613,760 alleles (0.00012%); highest among the groups gnomAD compares: African/African-American, 0.0013%; no homozygotes.

Submission:

Mayo Clinic Laboratories, Mayo Clinic
Classification: Likely pathogenic. Last evaluated: 2023-04-27. Review status: criteria provided, single submitter. Criteria: ACMG Guidelines, 2015. Collection method: clinical testing. Allele origin: germline. Observed: 1 variant allele.
Comment: PM2_supporting, PVS1